The following is an entry in ClinVar:

ClinVar aggregate classification (germline): Uncertain significance (0 of 4 stars; one submission).

Conditions:
GALNT14-related disorder. Also called: GALNT14-related condition.

Submission:

PreventionGenetics, part of Exact Sciences
Classification: Uncertain significance for GALNT14-related condition. Last evaluated: 2023-11-08. Review status: no assertion criteria provided. Collection method: clinical testing. Allele origin: germline.
Comment: The GALNT14 c.1614C>G variant is predicted to result in the amino acid substitution p.Ile538Met. To our knowledge, this variant has not been reported in the literature or in a large population database, indicating this variant is rare. At this time, the clinical significance of this variant is uncertain due to the absence of conclusive functional and genetic evidence.

NM_024572.4(GALNT14):c.1599C>G (p.Ile533Met)

Gene: GALNT14 (polypeptide N-acetylgalactosaminyltransferase 14; minus strand). Cytogenetic location: 2p23.1.
Variant type: single nucleotide variant.
Coding change: c.1599C>G on transcript NM_024572.4 (MANE Select); coding-DNA position 1599, C replaced by G.
Protein change: p.Ile533Met; replaces isoleucine 533 with methionine.
Molecular consequence: missense variant. On other transcripts: 3 prime UTR variant (1).
Genome position (GRCh38, 1-based): chr2:30,910,961, G>C on the plus strand (C>G on the coding strand, the complement: GALNT14 is on the minus strand). VCF-style: chr2-30910961-G-C. GRCh37 (hg19) VCF-style: chr2-31133827-G-C.
Other names: c.1614C>G, p.Ile538Met (NM_001253826.2); c.1539C>G, p.Ile513Met (NM_001253827.2, NM_001329096.2); c.1494C>G, p.Ile498Met (NM_001329095.2); c.*62C>G (NM_001329097.2); short protein forms I498M, I513M, I533M, I538M.
Identifiers: ClinVar variation 3049237 (VCV003049237.2), dbSNP rs774070861, ClinGen allele CA346593253.
Genomic context (GRCh38, chr2:30,910,961, plus strand): 5'-TCAAGAGCTCACCATGTCCCAGTGCTGGCTCATGAGTGAGGACTCACATGGGTTGACGAC[G>C]ATTTCCTTGCCGTTCTCGGTGCCATCACCGAACATATCTGTATCGAGGCAGAGGTGGGAT-3'
Protein context (NP_078848.2, residues 523-543): FGDGTENGKE[Ile533Met]VVNPCESSLM